The following is an entry in ClinVar:

NM_002734.5(PRKAR1A):c.763A>C (p.Ile255Leu)

Gene: PRKAR1A (protein kinase cAMP-dependent type I regulatory subunit alpha; plus strand). Cytogenetic location: 17q24.2.
Variant type: single nucleotide variant.
Coding change: c.763A>C on transcript NM_002734.5 (MANE Select); coding-DNA position 763, A replaced by C.
Protein change: p.Ile255Leu; replaces isoleucine 255 with leucine.
Molecular consequence: missense variant.
Genome position (GRCh38, 1-based): chr17:68,527,894, A>C. VCF-style: chr17-68527894-A-C. GRCh37 (hg19) VCF-style: chr17-66524035-A-C.
Other names: c.763A>C, p.Ile255Leu (NM_001278433.2, NM_001369389.1, NM_001276289.2 and 4 more transcripts); short protein forms I255L.
Identifiers: ClinVar variation 1759920 (VCV001759920.2), dbSNP rs1282833520, ClinGen allele CA400753588.
Genomic context (GRCh38, chr17:68,527,894, plus strand): 5'-TTTTAGGGAAGCACACTGAGAAAGCGGAAGATGTATGAGGAATTCCTTAGTAAAGTCTCT[A>C]TTTTAGGTGAGTTGTAAAGTGTGTTAACTTTGCTAGTATGTGAGATACCCCTGAATTAGA-3'
Protein context (NP_002725.1, residues 245-265): MYEEFLSKVS[Ile255Leu]LESLDKWERL

ClinVar aggregate classification (germline): Uncertain significance (1 of 4 stars; one submission).

Conditions:
Hereditary cancer-predisposing syndrome. Also called: Neoplastic Syndromes, Hereditary; Tumor predisposition; Hereditary Cancer Syndrome; Hereditary neoplastic syndrome. Identifiers: Orphanet 140162, MedGen C0027672, MeSH D009386, MONDO:0015356.

Submission:

Ambry Genetics
Classification: Uncertain significance for Hereditary cancer-predisposing syndrome. Last evaluated: 2022-05-12. Review status: criteria provided, single submitter. Criteria: Ambry Variant Classification Scheme 2023. Collection method: clinical testing. Allele origin: germline.
Comment: The p.I255L variant (also known as c.763A>C), located in coding exon 7 of the PRKAR1A gene, results from an A to C substitution at nucleotide position 763. The isoleucine at codon 255 is replaced by leucine, an amino acid with highly similar properties. This amino acid position is conserved. In addition, the in silico prediction for this alteration is inconclusive. Since supporting evidence is limited at this time, the clinical significance of this alteration remains unclear.